The following is an entry in ClinVar:

NM_006949.4(STXBP2):c.835G>A (p.Val279Ile)

Gene: STXBP2 (syntaxin binding protein 2; plus strand). Cytogenetic location: 19p13.2.
Variant type: single nucleotide variant.
Coding change: c.835G>A on transcript NM_006949.4 (MANE Select); coding-DNA position 835, G replaced by A.
Protein change: p.Val279Ile; replaces valine 279 with isoleucine.
Molecular consequence: missense variant. On other transcripts: non-coding transcript variant (1).
Genome position (GRCh38, 1-based): chr19:7,642,469, G>A. VCF-style: chr19-7642469-G-A. GRCh37 (hg19) VCF-style: chr19-7707355-G-A.
Other names: c.835G>A (NM_006949.2); c.826G>A, p.Val276Ile (NM_001127396.3); c.868G>A, p.Val290Ile (NM_001272034.2); short protein forms V276I, V279I, V290I.
Identifiers: ClinVar variation 648155 (VCV000648155.7), dbSNP rs753242709, ClinGen allele CA9143816.

ClinVar aggregate classification (germline): Uncertain significance. Review status: criteria provided, multiple submitters, no conflicts (2 of 4 stars). 2 submissions from 2 submitters: Uncertain significance (2). Last evaluated 2022-05-21.

Conditions:
Inborn genetic diseases. Identifiers: MedGen C0950123, MeSH D030342.
Familial hemophagocytic lymphohistiocytosis 5. Also called: STXBP2-Related Familial Hemophagocytic Lymphohistiocytosis (STXBP2-fHLH). Identifiers: Orphanet 540, MedGen C2751293, MONDO:0013135, OMIM 613101.

Allele frequency attached by ClinVar (database versions not stated): gnomAD exomes 0.00001 and 0.00002; ExAC 0.00002; TOPMed 0.00002; gnomAD 0.00003.
gnomAD v4.1: 33 of 1,613,892 alleles (0.002%); highest among the groups gnomAD compares: East Asian, 0.0045%; no homozygotes.

Submissions (2):

Labcorp Genetics (formerly Invitae), Labcorp
Classification: Uncertain significance for Familial hemophagocytic lymphohistiocytosis 5. Last evaluated: 2022-05-21. Review status: criteria provided, single submitter. Criteria: Invitae Variant Classification Sherloc (09022015). Collection method: clinical testing. Allele origin: germline.
Comment: This sequence change replaces valine, which is neutral and non-polar, with isoleucine, which is neutral and non-polar, at codon 279 of the STXBP2 protein (p.Val279Ile). This variant is present in population databases (rs753242709, gnomAD 0.005%). This variant has not been reported in the literature in individuals affected with STXBP2-related conditions. ClinVar contains an entry for this variant (Variation ID: 648155). Algorithms developed to predict the effect of missense changes on protein structure and function are either unavailable or do not agree on the potential impact of this missense change (SIFT: "Deleterious"; PolyPhen-2: "Benign"; Align-GVGD: "Class C0"). In summary, the available evidence is currently insufficient to determine the role of this variant in disease. Therefore, it has been classified as a Variant of Uncertain Significance.

Ambry Genetics
Classification: Uncertain significance for Inborn genetic diseases. Last evaluated: 2021-07-15. Review status: criteria provided, single submitter. Criteria: Ambry Variant Classification Scheme 2023. Collection method: clinical testing. Allele origin: germline.